The following is an entry in ClinVar:

NM_004714.3(DYRK1B):c.1166G>A (p.Arg389Gln)

Gene: DYRK1B (dual specificity tyrosine phosphorylation regulated kinase 1B; minus strand). Cytogenetic location: 19q13.2.
Variant type: single nucleotide variant.
Coding change: c.1166G>A on transcript NM_004714.3 (MANE Select); coding-DNA position 1166, G replaced by A.
Protein change: p.Arg389Gln; replaces arginine 389 with glutamine.
Molecular consequence: missense variant. On other transcripts: intron variant (2).
Genome position (GRCh38, 1-based): chr19:39,826,917, C>T on the plus strand (G>A on the coding strand, the complement: DYRK1B is on the minus strand). VCF-style: chr19-39826917-C-T. GRCh37 (hg19) VCF-style: chr19-40317557-C-T.
Other names: c.1096-50G>A (NM_006483.3); c.1131+35G>A (NM_006484.3); short protein forms R389Q.
Identifiers: ClinVar variation 4981726 (VCV004981726.1).

ClinVar aggregate classification (germline): Uncertain significance (1 of 4 stars; one submission).

Conditions:
DYRK1B-related disorder. Also called: DYRK1B-related condition.

Submission:

PreventionGenetics, part of Exact Sciences
Classification: Uncertain significance for DYRK1B-related condition. Last evaluated: 2026-05-07. Review status: criteria provided, single submitter. Criteria: ACMG Guidelines, 2015. Collection method: clinical testing. Allele origin: germline.
Comment: The DYRK1B c.1166G>A variant is predicted to result in the amino acid substitution p.Arg389Gln. To our knowledge, this variant has not been reported in the literature. This variant is reported in 0.0091% of alleles in individuals of European (non-Finnish) descent in gnomAD. At this time, the clinical significance of this variant is uncertain due to the absence of conclusive functional and genetic evidence.